The following is an entry in ClinVar:

NM_001374385.1(ATP8B1):c.3454= (p.Ala1152=)

Genes: ATP8B1 (ATPase phospholipid transporting 8B1; minus strand), ATP8B1-AS1 (ATP8B1 antisense RNA 1; plus strand). Cytogenetic location: 18q21.31.
Variant type: single nucleotide variant.
Coding change: c.3454= on transcript NM_001374385.1 (MANE Select); coding-DNA position 3454, no change from the reference sequence.
Protein change: p.Ala1152=; no amino-acid change (alanine 1152 retained).
Molecular consequence: no sequence alteration.
Genome position: GRCh38 VCF-style: chr18-57650444-C-C. GRCh37 (hg19) VCF-style: chr18-55317676-C-C.
Other names: c.3304=, p.Ala1102= (NM_001374386.1); c.3454=, p.Ala1152= (NM_005603.6).
Identifiers: ClinVar variation 506458 (VCV000506458.4), dbSNP rs222581.

ClinVar aggregate classification (germline): Likely benign. Review status: criteria provided, multiple submitters, no conflicts (2 of 4 stars). 2 submissions from 2 submitters: Likely benign (2). Last evaluated 2025-12-15.

Allele frequency attached by ClinVar (database versions not stated): 1000 Genomes Project 30x 0.00016; 1000 Genomes Project 0.00020; gnomAD exomes 0.00021; ExAC 0.00028; gnomAD 0.00110 and 0.00121; TOPMed 0.00121; ESP Exome Variant Server 0.00123.

Submissions (2):

Labcorp Genetics (formerly Invitae), Labcorp
Classification: Likely benign. Last evaluated: 2025-12-15. Review status: criteria provided, single submitter. Criteria: Invitae Variant Classification Sherloc (09022015). Collection method: clinical testing. Allele origin: germline.

GeneDx
Classification: Likely benign. Last evaluated: 2017-10-06. Review status: criteria provided, single submitter. Criteria: GeneDx Variant Classification (06012015). Collection method: clinical testing. Allele origin: germline. Affected: yes.
Comment: This variant is considered likely benign or benign based on one or more of the following criteria: it is a conservative change, it occurs at a poorly conserved position in the protein, it is predicted to be benign by multiple in silico algorithms, and/or has population frequency not consistent with disease.